The following is an entry in ClinVar:

ClinVar aggregate classification (germline): Uncertain significance (1 of 4 stars; one submission).

Conditions:
FG syndrome (FGS). Identifiers: MedGen C0220769, MONDO:0002010.

Submission:

Labcorp Genetics (formerly Invitae), Labcorp
Classification: Uncertain significance for FG syndrome. Last evaluated: 2024-10-03. Review status: criteria provided, single submitter. Criteria: Invitae Variant Classification Sherloc (09022015). Collection method: clinical testing. Allele origin: germline.
Comment: This variant, c.6078_6080del, results in the deletion of 1 amino acid(s) of the MED12 protein (p.Met2026del), but otherwise preserves the integrity of the reading frame. This variant is not present in population databases (gnomAD no frequency). This variant has not been reported in the literature in individuals affected with MED12-related conditions. Experimental studies and prediction algorithms are not available or were not evaluated, and the functional significance of this variant is currently unknown. In summary, the available evidence is currently insufficient to determine the role of this variant in disease. Therefore, it has been classified as a Variant of Uncertain Significance.

NM_005120.3(MED12):c.6078_6080del (p.Met2026del)

Gene: MED12 (mediator complex subunit 12; plus strand). Cytogenetic location: Xq13.1.
Variant type: Deletion.
Coding change: c.6078_6080del on transcript NM_005120.3 (MANE Select); coding-DNA positions 6078 to 6080, 3 bases deleted (GAT; older notation c.6078_6080delGAT).
Protein change: p.Met2026del; deletes methionine 2026.
Genome position (GRCh38, 1-based): chrX:71,140,668-71,140,670, GAT deleted; deleting any 3 consecutive bases within chrX:71,140,666-71,140,670 gives the same sequence; the c. name uses the placement nearest the transcript's 3' end. VCF-style (leftmost placement, unchanged base first): chrX-71140665-CATG-C. GRCh37 (hg19) VCF-style: chrX-70360515-CATG-C.
Other names: short protein forms M2026del.
Identifiers: ClinVar variation 3722147 (VCV003722147.2).